The following is an entry in ClinVar:

ClinVar aggregate classification (germline): Pathogenic (1 of 4 stars; one submission).

Conditions:
Autosomal dominant polycystic kidney disease. Identifiers: Orphanet 730, MedGen C0085413, MONDO:0004691.

Submission:

Labcorp Genetics (formerly Invitae), Labcorp
Classification: Pathogenic for Autosomal dominant polycystic kidney disease. Last evaluated: 2019-08-22. Review status: criteria provided, single submitter. Criteria: Invitae Variant Classification Sherloc (09022015). Collection method: clinical testing. Allele origin: germline.
Comment: For these reasons, this variant has been classified as Pathogenic. Sub-genic deletion of exons 10-15 has been determined to be pathogenic (PMID: 22508176). Therefore, deletions that fully encompass that region are also expected to be pathogenic. This variant has not been reported in the literature in individuals with PKD2-related conditions. This variant is a gross deletion of the genomic region encompassing exons 4-15 of the PKD2 gene. The 5' boundary is likely confined to intron 3. The 3' end of this event is unknown as it extends through the termination codon beyond the assayed region for this gene and may encompass additional genes. While this deletion is not anticipated to result in nonsense mediated decay, it is expected to create a truncated protein product or disrupt mRNA translation.

Literature cited by the submitters: PubMed 22508176.

NC_000004.12:g.(?_88038231)_(88075714_?)del

Gene: PKD2 (polycystin 2, transient receptor potential cation channel; plus strand). Cytogenetic location: 4q22.1.
Variant type: Deletion.
Identifiers: ClinVar variation 832516 (VCV000832516.3).